The following is an entry in ClinVar:

ClinVar aggregate classification (germline): Pathogenic (1 of 4 stars; one submission).

Submission:

Labcorp Genetics (formerly Invitae), Labcorp
Classification: Pathogenic. Last evaluated: 2024-10-29. Review status: criteria provided, single submitter. Criteria: Invitae Variant Classification Sherloc (09022015). Collection method: clinical testing. Allele origin: germline.
Comment: This sequence change creates a premature translational stop signal (p.Phe59Serfs*37) in the CNGB1 gene. It is expected to result in an absent or disrupted protein product. Loss-of-function variants in CNGB1 are known to be pathogenic (PMID: 15557452, 24043777). This variant is not present in population databases (gnomAD no frequency). This variant has not been reported in the literature in individuals affected with CNGB1-related conditions. ClinVar contains an entry for this variant (Variation ID: 2791544). For these reasons, this variant has been classified as Pathogenic.

Literature cited by the submitters: PubMed 15557452; PubMed 24043777.

NM_001297.5(CNGB1):c.176del (p.Phe59fs)

Gene: CNGB1 (cyclic nucleotide gated channel subunit beta 1; minus strand). Cytogenetic location: 16q21.
Variant type: Deletion.
Coding change: c.176del on transcript NM_001297.5 (MANE Select); coding-DNA position 176, one base deleted (T; older notation c.176delT).
Protein change: p.Phe59fs; shifts the reading frame from phenylalanine 59.
Molecular consequence: frameshift variant.
Genome position (GRCh38, 1-based): chr16:57,964,528, A deleted on the plus strand (T on the coding strand, the reverse complement: CNGB1 is on the minus strand); the first of 2 consecutive A bases (chr16:57,964,528-57,964,529); deleting either gives the same sequence. VCF-style (leftmost placement, unchanged base first): chr16-57964527-GA-G. GRCh37 (hg19) VCF-style: chr16-57998431-GA-G.
Other names: c.176del, p.Phe59fs (NM_001135639.2, NM_001286130.2); short protein forms F59fs.
Identifiers: ClinVar variation 2791544 (VCV002791544.3), dbSNP rs2544683005, ClinGen allele CA2739266821.
Genomic context (GRCh38, chr16:57,964,527, plus strand): 5'-GCTTCAGCACTCGCACTCACCCTGAGGGCTTGGGTCTGCCACAGCCACTTCCTCCTCCTT[GA>G]ATGACTCTTCGGGGGGCTAGAGGGTTCGAACAGGATCATGTAAGTCCTAGGTGAGACCAG-3'